The following is an entry in ClinVar:

NM_020207.7(ERCC6L2):c.1894A>G (p.Ile632Val)

Gene: ERCC6L2 (ERCC excision repair 6 like 2; plus strand). Cytogenetic location: 9q22.32.
Variant type: single nucleotide variant.
Coding change: c.1894A>G on transcript NM_020207.7 (MANE Select); coding-DNA position 1894, A replaced by G.
Protein change: p.Ile632Val; replaces isoleucine 632 with valine.
Molecular consequence: missense variant. On other transcripts: non-coding transcript variant (1).
Genome position (GRCh38, 1-based): chr9:95,955,960, A>G. VCF-style: chr9-95955960-A-G. GRCh37 (hg19) VCF-style: chr9-98718242-A-G.
Other names: c.1894A>G, p.Ile632Val (NM_001010895.4, NM_001375291.1, NM_001375292.1 and 2 more transcripts); short protein forms I632V.
Identifiers: ClinVar variation 3845789 (VCV003845789.1).

ClinVar aggregate classification (germline): Uncertain significance (1 of 4 stars; one submission).

Conditions:
Inborn genetic diseases. Identifiers: MedGen C0950123, MeSH D030342.

Submission:

Ambry Genetics
Classification: Uncertain significance for Inborn genetic diseases. Last evaluated: 2024-12-12. Review status: criteria provided, single submitter. Criteria: Ambry Variant Classification Scheme 2023. Collection method: clinical testing. Allele origin: germline.
Comment: The p.I632V variant (also known as c.1894A>G), located in coding exon 13 of the ERCC6L2 gene, results from an A to G substitution at nucleotide position 1894. The isoleucine at codon 632 is replaced by valine, an amino acid with highly similar properties. This amino acid position is conserved. In addition, this alteration is predicted to be tolerated by in silico analysis. Based on the available evidence, the clinical significance of this variant remains unclear.